The following is an entry in ClinVar:

ClinVar aggregate classification (germline): Conflicting classifications of pathogenicity. Review status: criteria provided, conflicting classifications (1 of 4 stars). 2 submissions from 2 submitters: Uncertain significance (1); Likely benign (1). Last evaluated 2024-10-15.

Conditions:
Heterotopia, periventricular, X-linked dominant (PVNH1). Also called: PERIVENTRICULAR NODULAR HETEROTOPIA 4; HETEROTOPIA, PERIVENTRICULAR, 1; PERIVENTRICULAR NODULAR HETEROTOPIA 1; X-linked periventricular heterotopia. Identifiers: Orphanet 2149, Orphanet 82004, MedGen C1848213, MONDO:0010233, OMIM 300049.
Melnick-Needles syndrome (MNS). Also called: MELNICK-NEEDLES OSTEODYSPLASTY; OSTEODYSPLASTY OF MELNICK AND NEEDLES; Melnick-Needles Syndrome (FLNA-MNS). Identifiers: Orphanet 2484, MedGen C0025237, MONDO:0010650, OMIM 309350.
Frontometaphyseal dysplasia (FMD1). Identifiers: Orphanet 1826, MedGen C0265293, MONDO:0015942.
Oto-palato-digital syndrome, type II (OPD2). Also called: FACIOPALATOOSSEOUS SYNDROME; OPD II SYNDROME; Otopalatodigital Syndrome, Type II; Otopalatodigital Syndrome Type 2 (FLNA-OPD2). Identifiers: Orphanet 669, Orphanet 90652, MedGen C1844696, MONDO:0010571, OMIM 304120.
Familial thoracic aortic aneurysm and aortic dissection (TAAD). Also called: Thoracic aortic aneurysms and dissections. Identifiers: Orphanet 91387, MedGen C4707243, MONDO:0019625.

gnomAD v4.1: 4 of 1,209,912 alleles (0.00033%); highest among the groups gnomAD compares: Non-Finnish European, 0.00045%; no homozygotes.

Submissions (2):

Labcorp Genetics (formerly Invitae), Labcorp
Classification: Uncertain significance for Oto-palato-digital syndrome, type II; Heterotopia, periventricular, X-linked dominant; Frontometaphyseal dysplasia; Melnick-Needles syndrome. Last evaluated: 2024-10-15. Review status: criteria provided, single submitter. Criteria: Invitae Variant Classification Sherloc (09022015). Collection method: clinical testing. Allele origin: germline.
Comment: This sequence change replaces asparagine, which is neutral and polar, with lysine, which is basic and polar, at codon 1502 of the FLNA protein (p.Asn1502Lys). This variant is not present in population databases (gnomAD no frequency). This variant has not been reported in the literature in individuals affected with FLNA-related conditions. ClinVar contains an entry for this variant (Variation ID: 1376578). Invitae Evidence Modeling of protein sequence and biophysical properties (such as structural, functional, and spatial information, amino acid conservation, physicochemical variation, residue mobility, and thermodynamic stability) indicates that this missense variant is not expected to disrupt FLNA protein function with a negative predictive value of 95%. In summary, the available evidence is currently insufficient to determine the role of this variant in disease. Therefore, it has been classified as a Variant of Uncertain Significance.

Ambry Genetics
Classification: Likely benign for Familial thoracic aortic aneurysm and aortic dissection. Last evaluated: 2023-11-20. Review status: criteria provided, single submitter. Criteria: Ambry Variant Classification Scheme 2023. Collection method: clinical testing. Allele origin: germline.

NM_001110556.2(FLNA):c.4506C>G (p.Asn1502Lys)

Gene: FLNA (filamin A; minus strand). Cytogenetic location: Xq28.
Variant type: single nucleotide variant.
Coding change: c.4506C>G on transcript NM_001110556.2 (MANE Select); coding-DNA position 4506, C replaced by G.
Protein change: p.Asn1502Lys; replaces asparagine 1502 with lysine.
Molecular consequence: missense variant.
Genome position (GRCh38, 1-based): chrX:154,358,537, G>C on the plus strand (C>G on the coding strand, the complement: FLNA is on the minus strand). VCF-style: chrX-154358537-G-C. GRCh37 (hg19) VCF-style: chrX-153586905-G-C.
Other names: c.4506C>G, p.Asn1502Lys (NM_001456.4); c.4506C>G (NM_001456.3); short protein forms N1502K.
Identifiers: ClinVar variation 1376578 (VCV001376578.7), dbSNP rs200857989, ClinGen allele CA415215823.